The following is an entry in ClinVar:

NM_001408.3(CELSR2):c.2641C>T (p.Arg881Ter)

Gene: CELSR2 (cadherin EGF LAG seven-pass G-type receptor 2; plus strand). Cytogenetic location: 1p13.3.
Variant type: single nucleotide variant.
Coding change: c.2641C>T on transcript NM_001408.3 (MANE Select); coding-DNA position 2641, C replaced by T.
Protein change: p.Arg881Ter; replaces arginine 881 with a stop codon.
Molecular consequence: nonsense.
Genome position (GRCh38, 1-based): chr1:109,252,720, C>T. VCF-style: chr1-109252720-C-T. GRCh37 (hg19) VCF-style: chr1-109795342-C-T.
Other names: short protein forms R881*.
Identifiers: ClinVar variation 3059473 (VCV003059473.2), dbSNP rs150322062, ClinGen allele CA28621272.

ClinVar aggregate classification (germline): Uncertain significance (0 of 4 stars; one submission).

Conditions:
CELSR2-related disorder. Also called: CELSR2-related condition.

gnomAD v4.1: 1 of 1,614,014 alleles (0.000062%); highest among the groups gnomAD compares: Non-Finnish European, 0.000085%; no homozygotes.

Submission:

PreventionGenetics, part of Exact Sciences
Classification: Uncertain significance for CELSR2-related condition. Last evaluated: 2023-11-19. Review status: no assertion criteria provided. Collection method: clinical testing. Allele origin: germline.
Comment: The CELSR2 c.2641C>T variant is predicted to result in premature protein termination (p.Arg881*). To our knowledge, this variant has not been reported in the literature or in a large population database, indicating this variant is rare. At this time, the clinical significance of this variant is uncertain due to the absence of conclusive functional and genetic evidence.